The following is an entry in ClinVar:

NM_000702.4(ATP1A2):c.2890T>C (p.Phe964Leu)

Gene: ATP1A2 (ATPase Na+/K+ transporting subunit alpha 2; plus strand). Cytogenetic location: 1q23.2.
Variant type: single nucleotide variant.
Coding change: c.2890T>C on transcript NM_000702.4 (MANE Select); coding-DNA position 2890, T replaced by C.
Protein change: p.Phe964Leu; replaces phenylalanine 964 with leucine.
Molecular consequence: missense variant.
Genome position (GRCh38, 1-based): chr1:160,139,689, T>C. VCF-style: chr1-160139689-T-C. GRCh37 (hg19) VCF-style: chr1-160109479-T-C.
Other names: short protein forms F964L.
Identifiers: ClinVar variation 1210942 (VCV001210942.8), dbSNP rs1652071501, ClinGen allele CA343255294.

ClinVar aggregate classification (germline): Uncertain significance. Review status: criteria provided, multiple submitters, no conflicts (2 of 4 stars). 3 submissions from 3 submitters: Uncertain significance (3). Last evaluated 2025-07-30.

Conditions:
Inborn genetic diseases. Identifiers: MedGen C0950123, MeSH D030342.
Familial hemiplegic migraine. Identifiers: MedGen C0338484, MONDO:0000700.

Allele frequency attached by ClinVar (database versions not stated): TOPMed below 0.00001.

Submissions (3):

Labcorp Genetics (formerly Invitae), Labcorp
Classification: Uncertain significance for Familial hemiplegic migraine. Last evaluated: 2025-07-30. Review status: criteria provided, single submitter. Criteria: Invitae Variant Classification Sherloc (09022015). Collection method: clinical testing. Allele origin: germline.
Comment: This sequence change replaces phenylalanine, which is neutral and non-polar, with leucine, which is neutral and non-polar, at codon 964 of the ATP1A2 protein (p.Phe964Leu). This variant is not present in population databases (gnomAD no frequency). This variant has not been reported in the literature in individuals affected with ATP1A2-related conditions. ClinVar contains an entry for this variant (Variation ID: 1210942). Invitae Evidence Modeling of protein sequence and biophysical properties (such as structural, functional, and spatial information, amino acid conservation, physicochemical variation, residue mobility, and thermodynamic stability) indicates that this missense variant is not expected to disrupt ATP1A2 protein function with a negative predictive value of 80%. In summary, the available evidence is currently insufficient to determine the role of this variant in disease. Therefore, it has been classified as a Variant of Uncertain Significance.

GeneDx
Classification: Uncertain significance. Last evaluated: 2024-12-18. Review status: criteria provided, single submitter. Criteria: GeneDx Variant Classification Process June 2021. Collection method: clinical testing. Allele origin: germline. Affected: yes.
Comment: Not observed at significant frequency in large population cohorts (gnomAD); In silico analysis supports that this missense variant has a deleterious effect on protein structure/function; Has not been previously published as pathogenic or benign to our knowledge

Ambry Genetics
Classification: Uncertain significance for Inborn genetic diseases. Last evaluated: 2021-06-11. Review status: criteria provided, single submitter. Criteria: Ambry Variant Classification Scheme 2023. Collection method: clinical testing. Allele origin: germline.